The following is an entry in ClinVar:

ClinVar aggregate classification (germline): Uncertain significance (1 of 4 stars; one submission).

Conditions:
Hereditary cancer-predisposing syndrome. Also called: Neoplastic Syndromes, Hereditary; Hereditary neoplastic syndrome; Hereditary Cancer Syndrome; Tumor predisposition. Identifiers: Orphanet 140162, MedGen C0027672, MeSH D009386, MONDO:0015356.

Submission:

Ambry Genetics
Classification: Uncertain significance for Hereditary cancer-predisposing syndrome. Last evaluated: 2026-08-19. Review status: criteria provided, single submitter. Criteria: Ambry Variant Classification Scheme 2023. Collection method: clinical testing. Allele origin: germline.
Comment: The p.K261T variant (also known as c.782A>C), located in coding exon 7 of the TSC1 gene, results from an A to C substitution at nucleotide position 782. The lysine at codon 261 is replaced by threonine, an amino acid with similar properties. This amino acid position is highly conserved in available vertebrate species. In addition, this alteration is predicted to be deleterious by in silico analysis. Based on the available evidence, the clinical significance of this variant remains unclear.

NM_000368.5(TSC1):c.782A>C (p.Lys261Thr)

Gene: TSC1 (TSC complex subunit 1; minus strand). Cytogenetic location: 9q34.13.
Variant type: single nucleotide variant.
Coding change: c.782A>C on transcript NM_000368.5 (MANE Select); coding-DNA position 782, A replaced by C.
Protein change: p.Lys261Thr; replaces lysine 261 with threonine.
Molecular consequence: missense variant.
Genome position (GRCh38, 1-based): chr9:132,912,413, T>G on the plus strand (A>C on the coding strand, the complement: TSC1 is on the minus strand). VCF-style: chr9-132912413-T-G. GRCh37 (hg19) VCF-style: chr9-135787800-T-G.
Other names: c.629A>C, p.Lys210Thr (NM_001162427.2); c.419A>C, p.Lys140Thr (NM_001362177.2); c.782A>C, p.Lys261Thr (NM_001162426.2); short protein forms K261T, K140T, K210T.
Identifiers: ClinVar variation 486582 (VCV000486582.6), dbSNP rs371225009, ClinGen allele CA375369554.